The following is an entry in ClinVar:

NM_002471.4(MYH6):c.3382C>T (p.Arg1128Cys)

Gene: MYH6 (myosin heavy chain 6; minus strand). Cytogenetic location: 14q11.2.
Variant type: single nucleotide variant.
Coding change: c.3382C>T on transcript NM_002471.4 (MANE Select); coding-DNA position 3382, C replaced by T.
Protein change: p.Arg1128Cys; replaces arginine 1128 with cysteine.
Molecular consequence: missense variant.
Genome position (GRCh38, 1-based): chr14:23,390,407, G>A on the plus strand (C>T on the coding strand, the complement: MYH6 is on the minus strand). VCF-style: chr14-23390407-G-A. GRCh37 (hg19) VCF-style: chr14-23859616-G-A.
Other names: short protein forms R1128C.
Identifiers: ClinVar variation 179905 (VCV000179905.6), dbSNP rs727505211, ClinGen allele CA185396.
Genomic context (GRCh38, chr14:23,390,407, plus strand): 5'-TCTCCTCCAGCTCCCGAGACAGGTCTGAGCGCAGCTTCTCCACCTTAGCCCTGGCGGTGC[G>A]CTCGGCCTCCAGCTCCTCCTCCAGCTCCTCGATGCGTGCCTGGGTCAGACACAAAGGGCT-3'
Protein context (NP_002462.2, residues 1118-1138): EELEEELEAE[Arg1128Cys]TARAKVEKLR

ClinVar aggregate classification (germline): Uncertain significance. Review status: criteria provided, multiple submitters, no conflicts (2 of 4 stars). 3 submissions from 3 submitters: Uncertain significance (2). 1 of the submissions does not count toward it. Last evaluated 2024-08-06.

Conditions:
MYH6-related disorder. Also called: MYH6-related condition; MYH6-Related Disorders.
Cardiovascular phenotype. Identifiers: MedGen CN230736.

Allele frequency attached by ClinVar (database versions not stated): gnomAD below 0.00001 and 0.00001.
gnomAD v4.1: 5 of 1,611,090 alleles (0.00031%); highest among the groups gnomAD compares: South Asian, 0.0022%; no homozygotes.

Submissions (3):

Ambry Genetics
Classification: Uncertain significance for Cardiovascular phenotype. Last evaluated: 2024-08-06. Review status: criteria provided, single submitter. Criteria: Ambry Variant Classification Scheme 2023. Collection method: clinical testing. Allele origin: germline.
Comment: The p.R1128C variant (also known as c.3382C>T), located in coding exon 24 of the MYH6 gene, results from a C to T substitution at nucleotide position 3382. The arginine at codon 1128 is replaced by cysteine, an amino acid with highly dissimilar properties. This amino acid position is conserved. In addition, this alteration is predicted to be deleterious by in silico analysis. Based on the available evidence, the clinical significance of this variant remains unclear.

Laboratory for Molecular Medicine, Mass General Brigham Personalized Medicine
Classification: Uncertain significance. Last evaluated: 2014-07-24. Review status: criteria provided, single submitter. Criteria: LMM Criteria. Collection method: clinical testing. Allele origin: germline. Observed: 1 variant allele.
Comment: The Arg1128Cys variant in MYH6 has not been previously reported in individuals w ith cardiomyopathy. Data from large population studies is insufficient to assess the frequency of this variant. Computational prediction tools and conservation analysis suggest that this variant may impact the protein, though this informati on is not predictive enough to determine pathogenicity. In summary, the clinical significance of the Arg1128Cys variant is uncertain.

PreventionGenetics, part of Exact Sciences
Classification: Uncertain significance for MYH6-related condition. Last evaluated: 2024-06-05. Review status: no assertion criteria provided. Collection method: clinical testing. Allele origin: germline. Not counted in ClinVar's aggregate classification.
Comment: The MYH6 c.3382C>T variant is predicted to result in the amino acid substitution p.Arg1128Cys. To our knowledge, this variant has not been reported in the literature or in a large population database, indicating this variant is rare. At this time, the clinical significance of this variant is uncertain due to the absence of conclusive functional and genetic evidence.